The following is an entry in ClinVar:

NM_021871.4(FGA):c.764C>T (p.Pro255Leu)

Gene: FGA (fibrinogen alpha chain; minus strand). Cytogenetic location: 4q31.3.
Variant type: single nucleotide variant.
Coding change: c.764C>T on transcript NM_021871.4 (MANE Select); coding-DNA position 764, C replaced by T.
Protein change: p.Pro255Leu; replaces proline 255 with leucine.
Molecular consequence: missense variant.
Genome position (GRCh38, 1-based): chr4:154,586,665, G>A on the plus strand (C>T on the coding strand, the complement: FGA is on the minus strand). VCF-style: chr4-154586665-G-A. GRCh37 (hg19) VCF-style: chr4-155507817-G-A.
Other names: c.764C>T, p.Pro255Leu (NM_000508.5); short protein forms P255L.
Identifiers: ClinVar variation 2631624 (VCV002631624.1), dbSNP rs753665794, ClinGen allele CA358531179.

ClinVar aggregate classification (germline): Uncertain significance (1 of 4 stars; one submission).

Conditions:
FGA-related disorder. Also called: FGA-related condition; FGA-related disorders.

Allele frequency attached by ClinVar (database versions not stated): gnomAD exomes below 0.00001.
gnomAD v4.1: 2 of 1,614,118 alleles (0.00012%); highest among the groups gnomAD compares: African/African-American, 0.0013%; no homozygotes.

Submission:

PreventionGenetics, part of Exact Sciences
Classification: Uncertain significance for FGA-related condition. Last evaluated: 2023-08-12. Review status: criteria provided, single submitter. Criteria: ACMG Guidelines, 2015. Collection method: clinical testing. Allele origin: germline.
Comment: The FGA c.764C>T variant is predicted to result in the amino acid substitution p.Pro255Leu. To our knowledge, this variant has not been reported in the literature or in a large population database, indicating this variant is rare. At this time, the clinical significance of this variant is uncertain due to the absence of conclusive functional and genetic evidence.